The following is an entry in ClinVar:

NM_001369.3(DNAH5):c.2117_2136dup (p.Gln713delinsCysLeuTer)

Genes: DNAH5 (dynein axonemal heavy chain 5; minus strand), DNAH5-AS1 (DNAH5 antisense RNA 1; plus strand). Cytogenetic location: 5p15.2.
Variant type: Duplication.
Coding change: c.2117_2136dup on transcript NM_001369.3 (MANE Select); coding-DNA positions 2117 to 2136, 20 bases duplicated (TGTTTGTAAACTTTGACCCT).
Protein change: p.Gln713delinsCysLeuTer.
Molecular consequence: nonsense.
Genome position (GRCh38, 1-based): chr5:13,900,329-13,900,348, AGGGTCAAAGTTTACAAACA duplicated on the plus strand (TGTTTGTAAACTTTGACCCT on the coding strand, the reverse complement: DNAH5 is on the minus strand); duplicating any 20 consecutive bases within chr5:13,900,329-13,900,349 gives the same sequence; the c. name uses the placement nearest the transcript's 3' end. VCF-style (leftmost placement, unchanged base first): chr5-13900328-G-GAGGGTCAAAGTTTACAAACA. GRCh37 (hg19) VCF-style: chr5-13900437-G-GAGGGTCAAAGTTTACAAACA.
Identifiers: ClinVar variation 2750785 (VCV002750785.3), dbSNP rs2547087818, ClinGen allele CA2697547043.

ClinVar aggregate classification (germline): Pathogenic (1 of 4 stars; one submission).

Conditions:
Primary ciliary dyskinesia. Also called: Ciliary dyskinesia. Identifiers: Orphanet 244, MedGen C0008780, MONDO:0016575, HP:0012265.

Submission:

Labcorp Genetics (formerly Invitae), Labcorp
Classification: Pathogenic for Primary ciliary dyskinesia. Last evaluated: 2023-08-14. Review status: criteria provided, single submitter. Criteria: Invitae Variant Classification Sherloc (09022015). Collection method: clinical testing. Allele origin: germline.
Comment: This sequence change creates a premature translational stop signal (p.Gln713Cysfs*3) in the DNAH5 gene. It is expected to result in an absent or disrupted protein product. Loss-of-function variants in DNAH5 are known to be pathogenic (PMID: 11788826, 16627867). This variant is not present in population databases (gnomAD no frequency). This variant has not been reported in the literature in individuals affected with DNAH5-related conditions. Algorithms developed to predict the effect of sequence changes on RNA splicing suggest that this variant may disrupt the consensus splice site. For these reasons, this variant has been classified as Pathogenic.

Literature cited by the submitters: PubMed 11788826; PubMed 16627867.